The following is an entry in ClinVar:

NM_015570.4(AUTS2):c.1389C>T (p.Pro463=)

Gene: AUTS2 (activator of transcription and developmental regulator AUTS2; plus strand). Cytogenetic location: 7q11.22.
Variant type: single nucleotide variant.
Coding change: c.1389C>T on transcript NM_015570.4 (MANE Select); coding-DNA position 1389, C replaced by T.
Protein change: p.Pro463=; no amino-acid change (proline 463 retained).
Molecular consequence: synonymous variant.
Genome position (GRCh38, 1-based): chr7:70,764,926, C>T. VCF-style: chr7-70764926-C-T. GRCh37 (hg19) VCF-style: chr7-70229912-C-T.
Other names: c.1389C>T, p.Pro463= (NM_001127231.3).
Identifiers: ClinVar variation 772968 (VCV000772968.11), dbSNP rs760653347, ClinGen allele CA4280634.
Genomic context (GRCh38, chr7:70,764,926, plus strand): 5'-CTTCACACCCACCCTCCAGCCCCCCGCACACTCACATCACCCCAATATGTTTGCCCCTCC[C>T]ACTGCTCTGCCTCCTCCACCACCACTGACATCAGGAAGTCTGCAGGTGGCCGGACACCCG-3'
Protein context (NP_056385.1, residues 453-473): HSHHPNMFAP[Pro463=]TALPPPPPLT

ClinVar aggregate classification (germline): Benign/Likely benign. Review status: criteria provided, multiple submitters, no conflicts (2 of 4 stars). 3 submissions from 3 submitters: Benign (2); Likely benign (1). Last evaluated 2026-07-01.

Allele frequency attached by ClinVar (database versions not stated): gnomAD 0.00002; ExAC 0.00028.
gnomAD v4.1: 99 of 1,612,456 alleles (0.0061%); highest among the groups gnomAD compares: Admixed American, 0.16%; no homozygotes.

Submissions (3):

CeGaT Center for Human Genetics Tuebingen
Classification: Likely benign. Last evaluated: 2026-07-01. Review status: criteria provided, single submitter. Criteria: CeGaT Center For Human Genetics Tuebingen Variant Classification Criteria Version 2. Collection method: clinical testing. Allele origin: germline. Affected: yes. Observed: 2 variant alleles.
Comment: AUTS2: BP4, BS1

Labcorp Genetics (formerly Invitae), Labcorp
Classification: Benign. Last evaluated: 2026-01-23. Review status: criteria provided, single submitter. Criteria: Invitae Variant Classification Sherloc (09022015). Collection method: clinical testing. Allele origin: germline.

GeneDx
Classification: Benign. Last evaluated: 2020-05-29. Review status: criteria provided, single submitter. Criteria: GeneDx Variant Classification Process June 2021. Collection method: clinical testing. Allele origin: germline. Affected: yes.